The following is an entry in ClinVar:

NC_000009.11:g.(?_21968228)_(21974875_?)dup

Gene: CDKN2A (cyclin dependent kinase inhibitor 2A; minus strand). Cytogenetic location: 9p21.3.
Variant type: Duplication.
Identifiers: ClinVar variation 1044517 (VCV001044517.2).

ClinVar aggregate classification (germline): Uncertain significance (1 of 4 stars; one submission).

Conditions:
Familial melanoma. Also called: Hereditary melanoma; Hereditary cutaneous melanoma. Identifiers: Orphanet 618, MedGen C1512419, MONDO:0018961.

Submission:

Labcorp Genetics (formerly Invitae), Labcorp
Classification: Uncertain significance for Familial melanoma. Last evaluated: 2020-07-13. Review status: criteria provided, single submitter. Criteria: Invitae Variant Classification Sherloc (09022015). Collection method: clinical testing. Allele origin: germline.
Comment: The CDKN2A gene encodes two different proteins, p16INK4a and p14ARF, which are translated from alternative transcripts that have different open reading frames. This variant results in a copy number gain of the genomic region encompassing the full coding sequence of the p16INK4a and p14ARF transcripts. The boundaries of this event are unknown as they extend beyond the assayed region for this gene and therefore may encompass additional genes. As the precise location of this event is unknown, it may be in tandem or it may be located elsewhere in the genome. This variant has not been reported in the literature in individuals with CDKN2A (p16INK4a) or CDKN2A (p14ARF)-related conditions. In summary, the available evidence is currently insufficient to determine the role of this variant in disease. Therefore, it has been classified as a Variant of Uncertain Significance.